The following is an entry in ClinVar:

NM_004186.5(SEMA3F):c.483G>A (p.Ala161=)

Gene: SEMA3F (semaphorin 3F; plus strand). Cytogenetic location: 3p21.31.
Variant type: single nucleotide variant.
Coding change: c.483G>A on transcript NM_004186.5 (MANE Select); coding-DNA position 483, G replaced by A.
Protein change: p.Ala161=; no amino-acid change (alanine 161 retained).
Molecular consequence: synonymous variant. On other transcripts: intron variant (2).
Genome position (GRCh38, 1-based): chr3:50,175,122, G>A. VCF-style: chr3-50175122-G-A. GRCh37 (hg19) VCF-style: chr3-50212555-G-A.
Other names: c.252+772G>A (NM_001318798.2); c.456+772G>A (NM_001318800.2).
Identifiers: ClinVar variation 3054857 (VCV003054857.2), dbSNP rs762426156, ClinGen allele CA2411790.

ClinVar aggregate classification (germline): Likely benign (0 of 4 stars; one submission).

Conditions:
SEMA3F-related disorder. Also called: SEMA3F-related condition.

Allele frequency attached by ClinVar (database versions not stated): gnomAD exomes 0.00001; ExAC 0.00002.
gnomAD v4.1: 13 of 1,611,310 alleles (0.00081%); highest among the groups gnomAD compares: Admixed American, 0.0084%; no homozygotes.

Submission:

PreventionGenetics, part of Exact Sciences
Classification: Likely benign for SEMA3F-related condition. Last evaluated: 2021-10-05. Review status: no assertion criteria provided. Collection method: clinical testing. Allele origin: germline.
Comment: This variant is classified as likely benign based on ACMG/AMP sequence variant interpretation guidelines (Richards et al. 2015 PMID: 25741868, with internal and published modifications).